The following is an entry in ClinVar:

ClinVar aggregate classification (germline): Uncertain significance (1 of 4 stars; one submission).

Submission:

Labcorp Genetics (formerly Invitae), Labcorp
Classification: Uncertain significance. Last evaluated: 2025-12-24. Review status: criteria provided, single submitter. Criteria: Invitae Variant Classification Sherloc (09022015). Collection method: clinical testing. Allele origin: germline.
Comment: This sequence change replaces phenylalanine, which is neutral and non-polar, with isoleucine, which is neutral and non-polar, at codon 753 of the CACNA1F protein (p.Phe753Ile). This variant is not present in population databases (gnomAD no frequency). This variant has not been reported in the literature in individuals affected with CACNA1F-related conditions. ClinVar contains an entry for this variant (Variation ID: 2129465). Invitae Evidence Modeling of protein sequence and biophysical properties (such as structural, functional, and spatial information, amino acid conservation, physicochemical variation, residue mobility, and thermodynamic stability) indicates that this missense variant is expected to disrupt CACNA1F protein function with a positive predictive value of 80%. This variant disrupts the p.Phe753 amino acid residue in CACNA1F. Other variant(s) that disrupt this residue have been determined to be pathogenic (PMID: 12111638, 17949918, 31456290, 31651202). This suggests that this residue is clinically significant, and that variants that disrupt this residue are likely to be disease-causing. In summary, the available evidence is currently insufficient to determine the role of this variant in disease. Therefore, it has been classified as a Variant of Uncertain Significance.

Literature cited by the submitters: PubMed 12111638; PubMed 17949918; PubMed 31456290; PubMed 31651202.

NM_001256789.3(CACNA1F):c.2224T>A (p.Phe742Ile)

Gene: CACNA1F (calcium voltage-gated channel subunit alpha1 F; minus strand). Cytogenetic location: Xp11.23.
Variant type: single nucleotide variant.
Coding change: c.2224T>A on transcript NM_001256789.3 (MANE Select); coding-DNA position 2224, T replaced by A.
Protein change: p.Phe742Ile; replaces phenylalanine 742 with isoleucine.
Molecular consequence: missense variant.
Genome position (GRCh38, 1-based): chrX:49,222,586, A>T on the plus strand (T>A on the coding strand, the complement: CACNA1F is on the minus strand). VCF-style: chrX-49222586-A-T. GRCh37 (hg19) VCF-style: chrX-49079045-A-T.
Other names: c.2062T>A, p.Phe688Ile (NM_001256790.3); c.2257T>A, p.Phe753Ile (NM_005183.4); short protein forms F688I, F742I, F753I.
Identifiers: ClinVar variation 2129465 (VCV002129465.4), dbSNP rs2520961212, ClinGen allele CA412909846.